The following is an entry in ClinVar:

NM_022124.6(CDH23):c.8693C>A (p.Ser2898Tyr)

Gene: CDH23 (cadherin related 23; plus strand). Cytogenetic location: 10q22.1.
Variant type: single nucleotide variant.
Coding change: c.8693C>A on transcript NM_022124.6 (MANE Select); coding-DNA position 8693, C replaced by A.
Protein change: p.Ser2898Tyr; replaces serine 2898 with tyrosine.
Molecular consequence: missense variant.
Genome position (GRCh38, 1-based): chr10:71,807,978, C>A. VCF-style: chr10-71807978-C-A. GRCh37 (hg19) VCF-style: chr10-73567735-C-A.
Other names: c.1973C>A, p.Ser658Tyr (NM_001171933.1, NM_001171934.1); short protein forms S2898Y, S658Y.
Identifiers: ClinVar variation 1064757 (VCV001064757.1), dbSNP rs1841789978, ClinGen allele CA377132651.

ClinVar aggregate classification (germline): Uncertain significance (1 of 4 stars; one submission).

Conditions:
Usher syndrome type 1D (USH1D). Also called: USHER SYNDROME, TYPE ID. Identifiers: Orphanet 231169, Orphanet 886, MedGen C1832845, MONDO:0010984, OMIM 601067.

Submission:

Ocular Genomics Institute, Massachusetts Eye and Ear
Classification: Uncertain significance for Usher syndrome type 1D. Last evaluated: 2021-04-08. Review status: criteria provided, single submitter. Criteria: ACMG Guidelines, 2015. Collection method: research. Allele origin: germline. Affected: yes.
Comment: Through a review of available evidence we were able to apply the following criteria: PM2. Based on this evidence we have classified this variant as Variant of Uncertian Significance.